The following is an entry in ClinVar:

ClinVar aggregate classification (germline): Likely benign (1 of 4 stars; one submission).

gnomAD v4.1: 1 of 1,559,122 alleles (0.000064%); highest among the groups gnomAD compares: Non-Finnish European, 0.000087%; no homozygotes.

Submission:

CeGaT Center for Human Genetics Tuebingen
Classification: Likely benign. Last evaluated: 2026-06-01. Review status: criteria provided, single submitter. Criteria: CeGaT Center For Human Genetics Tuebingen Variant Classification Criteria Version 2. Collection method: clinical testing. Allele origin: germline. Affected: yes. Observed: 1 variant allele.
Comment: CDK13: BP4

NM_003718.5(CDK13):c.4394A>C (p.Asn1465Thr)

Gene: CDK13 (cyclin dependent kinase 13; plus strand). Cytogenetic location: 7p14.1.
Variant type: single nucleotide variant.
Coding change: c.4394A>C on transcript NM_003718.5 (MANE Select); coding-DNA position 4394, A replaced by C.
Protein change: p.Asn1465Thr; replaces asparagine 1465 with threonine.
Molecular consequence: missense variant.
Genome position (GRCh38, 1-based): chr7:40,094,835, A>C. VCF-style: chr7-40094835-A-C. GRCh37 (hg19) VCF-style: chr7-40134434-A-C.
Other names: c.4214A>C, p.Asn1405Thr (NM_031267.4); short protein forms N1405T, N1465T.
Identifiers: ClinVar variation 4875376 (VCV004875376.2).